The following is an entry in ClinVar:

ClinVar aggregate classification (germline): Likely benign (0 of 4 stars; one submission).

Conditions:
TRAPPC6A-related disorder. Also called: TRAPPC6A-related condition.

Allele frequency attached by ClinVar (database versions not stated): ExAC 0.00002; gnomAD exomes 0.00004.
gnomAD v4.1: 64 of 1,612,148 alleles (0.004%); highest among the groups gnomAD compares: Admixed American, 0.0067%; no homozygotes.

Submission:

PreventionGenetics, part of Exact Sciences
Classification: Likely benign for TRAPPC6A-related condition. Last evaluated: 2019-04-29. Review status: no assertion criteria provided. Collection method: clinical testing. Allele origin: germline.
Comment: This variant is classified as likely benign based on ACMG/AMP sequence variant interpretation guidelines (Richards et al. 2015 PMID: 25741868, with internal and published modifications).

NM_001270891.2(TRAPPC6A):c.152+8C>T

Gene: TRAPPC6A (trafficking protein particle complex subunit 6A; minus strand). Cytogenetic location: 19q13.32.
Variant type: single nucleotide variant.
Coding change: c.152+8C>T on transcript NM_001270891.2 (MANE Select); 8 bases into the intron after coding-DNA position 152, C replaced by T.
Molecular consequence: intron variant.
Genome position (GRCh38, 1-based): chr19:45,165,119, G>A on the plus strand (C>T on the coding strand, the complement: TRAPPC6A is on the minus strand). VCF-style: chr19-45165119-G-A. GRCh37 (hg19) VCF-style: chr19-45668377-G-A.
Other names: c.85-149C>T (NM_001270893.2); c.127-149C>T (NM_001270892.2); c.194+8C>T (NM_024108.3).
Identifiers: ClinVar variation 3037927 (VCV003037927.2), dbSNP rs747452107, ClinGen allele CA9510079.